The following is an entry in ClinVar:

ClinVar aggregate classification (germline): Conflicting classifications of pathogenicity. Review status: criteria provided, conflicting classifications (1 of 4 stars). 4 submissions from 4 submitters: Uncertain significance (3); Likely benign (1). Last evaluated 2026-09-10.

Conditions:
Inborn genetic diseases. Identifiers: MedGen C0950123, MeSH D030342.
Bethlem myopathy 1A. Also called: Bethlem Muscular Dystrophy; Bethlem myopathy 1; MYOPATHY, BENIGN CONGENITAL, WITH CONTRACTURES. Identifiers: Orphanet 610, MedGen CN029274, MONDO:0024530, OMIM 158810.

Allele frequency attached by ClinVar (database versions not stated): gnomAD 0.00002; TOPMed 0.00002; gnomAD exomes 0.00003 and 0.00007; ExAC 0.00004; ESP Exome Variant Server 0.00008.
gnomAD v4.1: 105 of 1,603,160 alleles (0.0065%); highest among the groups gnomAD compares: Non-Finnish European, 0.0076%; no homozygotes.

Submissions (4):

GeneDx
Classification: Uncertain significance. Last evaluated: 2026-09-10. Review status: criteria provided, single submitter. Criteria: GeneDx Variant Classification Process June 2021. Collection method: clinical testing. Allele origin: germline.
Comment: In silico analysis supports that this missense variant has a deleterious effect on protein structure/function; Has not been previously published as pathogenic or benign to our knowledge

Ambry Genetics
Classification: Uncertain significance for Inborn genetic diseases. Last evaluated: 2025-01-31. Review status: criteria provided, single submitter. Criteria: Ambry Variant Classification Scheme 2023. Collection method: clinical testing. Allele origin: germline.

Labcorp Genetics (formerly Invitae), Labcorp
Classification: Likely benign for Bethlem myopathy 1A. Last evaluated: 2024-02-23. Review status: criteria provided, single submitter. Criteria: Invitae Variant Classification Sherloc (09022015). Collection method: clinical testing. Allele origin: germline.

Blueprint Genetics
Classification: Uncertain significance. Last evaluated: 2023-05-29. Review status: criteria provided, single submitter. Criteria: ACMG Guidelines, 2015. Collection method: clinical testing. Allele origin: germline.

NM_001849.4(COL6A2):c.3047G>A (p.Arg1016His)

Gene: COL6A2 (collagen type VI alpha 2 chain; plus strand). Cytogenetic location: 21q22.3.
Variant type: single nucleotide variant.
Coding change: c.3047G>A on transcript NM_001849.4 (MANE Select); coding-DNA position 3047, G replaced by A.
Protein change: p.Arg1016His; replaces arginine 1016 with histidine.
Molecular consequence: missense variant.
Genome position (GRCh38, 1-based): chr21:46,132,539, G>A. VCF-style: chr21-46132539-G-A. GRCh37 (hg19) VCF-style: chr21-47552453-G-A.
Other names: short protein forms R1016H.
Identifiers: ClinVar variation 476484 (VCV000476484.16), dbSNP rs376368468, ClinGen allele CA10073156.